The following is an entry in ClinVar:

ClinVar aggregate classification (germline): Uncertain significance (0 of 4 stars; one submission).

Conditions:
ACTG1-related disorder. Also called: ACTG1-related disorders; ACTG1-related condition.

Submission:

PreventionGenetics, part of Exact Sciences
Classification: Uncertain significance for ACTG1-related condition. Last evaluated: 2024-03-12. Review status: no assertion criteria provided. Collection method: clinical testing. Allele origin: germline.
Comment: The ACTG1 c.13A>G variant is predicted to result in the amino acid substitution p.Ile5Val. To our knowledge, this variant has not been reported in the literature or in a large population database, indicating this variant is rare. At this time, the clinical significance of this variant is uncertain due to the absence of conclusive functional and genetic evidence.

NM_001614.5(ACTG1):c.13A>G (p.Ile5Val)

Gene: ACTG1 (actin gamma 1; minus strand). Cytogenetic location: 17q25.3.
Variant type: single nucleotide variant.
Coding change: c.13A>G on transcript NM_001614.5 (MANE Select); coding-DNA position 13, A replaced by G.
Protein change: p.Ile5Val; replaces isoleucine 5 with valine.
Molecular consequence: missense variant. On other transcripts: non-coding transcript variant (1).
Genome position (GRCh38, 1-based): chr17:81,512,342, T>C on the plus strand (A>G on the coding strand, the complement: ACTG1 is on the minus strand). VCF-style: chr17-81512342-T-C. GRCh37 (hg19) VCF-style: chr17-79479368-T-C.
Other names: c.13A>G, p.Ile5Val (NM_001199954.3); short protein forms I5V.
Identifiers: ClinVar variation 3348450 (VCV003348450.1).